The following is an entry in ClinVar:

NM_001273.5(CHD4):c.87C>G (p.Pro29=)

Gene: CHD4 (chromodomain helicase DNA binding protein 4; minus strand). Cytogenetic location: 12p13.31.
Variant type: single nucleotide variant.
Coding change: c.87C>G on transcript NM_001273.5 (MANE Select); coding-DNA position 87, C replaced by G.
Protein change: p.Pro29=; no amino-acid change (proline 29 retained).
Molecular consequence: synonymous variant.
Genome position (GRCh38, 1-based): chr12:6,606,287, G>C on the plus strand (C>G on the coding strand, the complement: CHD4 is on the minus strand). VCF-style: chr12-6606287-G-C. GRCh37 (hg19) VCF-style: chr12-6715453-G-C.
Other names: c.87C>G, p.Pro29= (NM_001297553.2, NM_001363606.2).
Identifiers: ClinVar variation 1598677 (VCV001598677.27), dbSNP rs142820101, ClinGen allele CA6412651.

ClinVar aggregate classification (germline): Benign/Likely benign. Review status: criteria provided, multiple submitters, no conflicts (2 of 4 stars). 4 submissions from 4 submitters: Benign (3); Likely benign (1). Last evaluated 2026-09-01.

Allele frequency attached by ClinVar (database versions not stated): gnomAD exomes 0.00035 and 0.00062; ExAC 0.00047; ESP Exome Variant Server 0.00077.
gnomAD v4.1: 954 of 1,578,180 alleles (0.06%); highest among the groups gnomAD compares: Non-Finnish European, 0.076%; 1 homozygote.

Submissions (4):

CeGaT Center for Human Genetics Tuebingen
Classification: Likely benign. Last evaluated: 2026-09-01. Review status: criteria provided, single submitter. Criteria: CeGaT Center For Human Genetics Tuebingen Variant Classification Criteria Version 2. Collection method: clinical testing. Allele origin: germline. Affected: yes. Observed: 2 variant alleles.
Comment: CHD4: BP4, BP7

Labcorp Genetics (formerly Invitae), Labcorp
Classification: Benign. Last evaluated: 2025-03-31. Review status: criteria provided, single submitter. Criteria: Invitae Variant Classification Sherloc (09022015). Collection method: clinical testing. Allele origin: germline.

Blueprint Genetics
Classification: Benign. Last evaluated: 2024-11-27. Review status: criteria provided, single submitter. Criteria: ACMG Guidelines, 2015. Collection method: clinical testing. Allele origin: germline.

Breakthrough Genomics
Classification: Benign. Review status: criteria provided, single submitter. Criteria: ACMG Guidelines, 2015. Collection method: not provided. Allele origin: germline. Inheritance: Autosomal dominant inheritance. Affected: yes.